The following is an entry in ClinVar:

NM_018699.4(PRDM5):c.1632G>A (p.Pro544=)

Gene: PRDM5 (PR/SET domain 5; minus strand). Cytogenetic location: 4q27.
Variant type: single nucleotide variant.
Coding change: c.1632G>A on transcript NM_018699.4 (MANE Select); coding-DNA position 1632, G replaced by A.
Protein change: p.Pro544=; no amino-acid change (proline 544 retained).
Molecular consequence: synonymous variant. On other transcripts: missense variant (1), intron variant (1).
Genome position (GRCh38, 1-based): chr4:120,710,405, C>T on the plus strand (G>A on the coding strand, the complement: PRDM5 is on the minus strand). VCF-style: chr4-120710405-C-T. GRCh37 (hg19) VCF-style: chr4-121631560-C-T.
Other names: p.Pro544=; c.1539G>A, p.Pro513= (NM_001300823.2); c.1453G>A, p.Val485Ile (NM_001300824.2); c.1665G>A, p.Pro555= (NM_001379104.1); c.1531-15130G>A (NM_001379106.1); short protein forms V485I.
Identifiers: ClinVar variation 390578 (VCV000390578.19), dbSNP rs116026637, ClinGen allele CA3060983.

ClinVar aggregate classification (germline): Benign/Likely benign. Review status: criteria provided, multiple submitters, no conflicts (2 of 4 stars). 5 submissions from 5 submitters: Benign (4); Likely benign (1). Last evaluated 2026-01-26.

Conditions:
Ehlers-Danlos syndrome (EDS). Identifiers: Orphanet 98249, MedGen C0013720, MONDO:0020066.
Cardiovascular phenotype. Identifiers: MedGen CN230736.

Allele frequency attached by ClinVar (database versions not stated): ExAC 0.00116; TOPMed 0.00289; gnomAD 0.00299; ESP Exome Variant Server 0.00308; 1000 Genomes Project 0.00419; 1000 Genomes Project 30x 0.00422.
gnomAD v4.1: 967 of 1,613,916 alleles (0.06%); highest among the groups gnomAD compares: African/African-American, 0.96%; 6 homozygotes.

Submissions (5):

Labcorp Genetics (formerly Invitae), Labcorp
Classification: Benign. Last evaluated: 2026-01-26. Review status: criteria provided, single submitter. Criteria: Invitae Variant Classification Sherloc (09022015). Collection method: clinical testing. Allele origin: germline.

Mayo Clinic Laboratories, Mayo Clinic
Classification: Benign. Last evaluated: 2025-03-05. Review status: criteria provided, single submitter. Criteria: ACMG Guidelines, 2015. Collection method: clinical testing. Allele origin: germline. Observed: 2 variant alleles.
Comment: BS1, BP4, BP7

Genome Diagnostics Laboratory, The Hospital for Sick Children
Classification: Likely benign for Ehlers-Danlos syndrome. Last evaluated: 2022-06-08. Review status: criteria provided, single submitter. Criteria: ACMG Guidelines, 2015. Collection method: clinical testing. Allele origin: germline.

Ambry Genetics
Classification: Benign for Cardiovascular phenotype. Last evaluated: 2019-12-26. Review status: criteria provided, single submitter. Criteria: Ambry Variant Classification Scheme 2023. Collection method: clinical testing. Allele origin: germline.

GeneDx
Classification: Benign. Last evaluated: 2019-05-20. Review status: criteria provided, single submitter. Criteria: GeneDx Variant Classification Process June 2021. Collection method: clinical testing. Allele origin: germline. Affected: yes.